The following is an entry in ClinVar:

NM_007294.4(BRCA1):c.2483_2485del (p.Gly828_Phe829delinsVal)

Gene: BRCA1 (BRCA1 DNA repair associated; minus strand). Cytogenetic location: 17q21.31.
Variant type: Deletion.
Coding change: c.2483_2485del on transcript NM_007294.4 (MANE Select); coding-DNA positions 2483 to 2485, 3 bases deleted (GCT; older notation c.2483_2485delGCT).
Protein change: p.Gly828_Phe829delinsVal.
Molecular consequence: inframe indel. On other transcripts: intron variant (137).
Genome position (GRCh38, 1-based): chr17:43,093,046-43,093,048, AGC deleted on the plus strand (GCT on the coding strand, the reverse complement: BRCA1 is on the minus strand). VCF-style (leftmost placement, unchanged base first): chr17-43093045-AAGC-A. GRCh37 (hg19) VCF-style: chr17-41245062-AAGC-A.
Other names: G828del; c.2483_2485del, p.Gly828_Phe829delinsVal (NM_001407605.1, NM_001407616.1, NM_001407617.1 and 30 more transcripts); c.2480_2482del, p.Gly827_Phe828delinsVal (NM_001407610.1, NM_001407611.1, NM_001407612.1 and 22 more transcripts); c.2474_2476del, p.Gly825_Phe826delinsVal (NM_001407646.1, NM_001407647.1); c.2360_2362del, p.Gly787_Phe788delinsVal (NM_001407648.1, NM_001407664.1, NM_001407665.1 and 19 more transcripts); c.2357_2359del, p.Gly786_Phe787delinsVal (NM_001407649.1, NM_001407670.1, NM_001407671.1 and 11 more transcripts); c.2405_2407del, p.Gly802_Phe803delinsVal (NM_001407653.1, NM_001407654.1, NM_001407655.1 and 4 more transcripts); c.2402_2404del, p.Gly801_Phe802delinsVal (NM_001407659.1, NM_001407660.1, NM_001407661.1 and 1 more transcripts); and 43 more.
Identifiers: ClinVar variation 54582 (VCV000054582.35), dbSNP rs80358331, ClinGen allele CA001655.

ClinVar aggregate classification (germline): Conflicting classifications of pathogenicity. Review status: criteria provided, conflicting classifications (1 of 4 stars). 12 submissions from 12 submitters: Uncertain significance (8); Likely benign (2). 2 of the submissions do not count toward it. Last evaluated 2026-01-19.

Conditions:
BRCA1-related disorder. Also called: BRCA1-related condition.
Hereditary cancer-predisposing syndrome. Also called: Tumor predisposition; Neoplastic Syndromes, Hereditary; Hereditary Cancer Syndrome; Hereditary neoplastic syndrome. Identifiers: Orphanet 140162, MedGen C0027672, MeSH D009386, MONDO:0015356.
Hereditary breast ovarian cancer syndrome. Also called: Hereditary breast and ovarian cancer syndrome (HBOC); Hereditary breast and ovarian cancer syndrome; Hereditary breast and ovarian cancer; Hereditary breast and/or ovarian cancer syndrome; Breast and ovarian cancer; BRCA1- and BRCA2-Associated Hereditary Breast and Ovarian Cancer. Identifiers: Orphanet 145, MedGen C0677776, MeSH D061325, MONDO:0003582. Disease mechanism: loss of function.
Breast-ovarian cancer, familial, susceptibility to, 1 (BROVCA1). Also called: OVARIAN CANCER, SUSCEPTIBILITY TO; BRCA1 Hereditary Breast and Ovarian Cancer. Identifiers: Orphanet 145, MedGen C2676676, MONDO:0011450, OMIM 604370. Disease mechanism: loss of function.

Allele frequency attached by ClinVar (database versions not stated): TOPMed 0.00001; gnomAD exomes below 0.00001; gnomAD 0.00001.

Submissions (12):

Women's Health and Genetics/Laboratory Corporation of America, LabCorp
Classification: Uncertain significance. Last evaluated: 2026-01-19. Review status: criteria provided, single submitter. Criteria: LabCorp Variant Classification Summary - May 2015. Collection method: clinical testing. Allele origin: germline.
Comment: Variant summary: BRCA1 c.2483_2485delGCT (p.Gly828_Phe829delinsVal) results in an in-frame deletion-insertion that is predicted to delete two amino acids from the protein and insert one amino acid. The variant allele was found at a frequency of 4e-06 in 250982 control chromosomes. The available data on variant occurrences in the general population are insufficient to allow any conclusion about variant significance. c.2483_2485delGCT has been reported in the literature in individuals affected with Hereditary Breast And Ovarian Cancer Syndrome without strong evidence for causality (Borg_2010, Judkins_2005). These report(s) do not provide unequivocal conclusions about association of the variant with Hereditary Breast And Ovarian Cancer Syndrome. Co-occurrences with other pathogenic variant(s) have been reported in the BIC (Breast Cancer Information Core) database (BRCA1 c.181T>G, p.Cys61Gly), providing supporting evidence for a benign role. To our knowledge, no experimental evidence demonstrating an impact on protein function has been reported. The following publications have been ascertained in the context of this evaluation (PMID: 16267036, 20104584). ClinVar contains an entry for this variant (Variation ID: 54582). Based on the evidence outlined above, the variant was classified as VUS-possibly benign.

Labcorp Genetics (formerly Invitae), Labcorp
Classification: Uncertain significance for Hereditary breast ovarian cancer syndrome. Last evaluated: 2026-01-14. Review status: criteria provided, single submitter. Criteria: Invitae Variant Classification Sherloc (09022015). Collection method: clinical testing. Allele origin: germline.
Comment: This variant, c.2483_2485del, is a complex sequence change that results in the deletion of 2 and insertion of 1 amino acid(s) in the BRCA1 protein (p.Gly828_Phe829delinsVal). This variant is present in population databases (rs80358331, gnomAD 0.002%). This variant has been observed to co-occur in individuals with a different variant in BRCA1 that has been determined to be pathogenic (PMID: 10923033, 20104584), but the significance of this finding is unclear. ClinVar contains an entry for this variant (Variation ID: 54582). Experimental studies and prediction algorithms are not available or were not evaluated, and the functional significance of this variant is currently unknown. In summary, the available evidence is currently insufficient to determine the role of this variant in disease. Therefore, it has been classified as a Variant of Uncertain Significance.

Quest Diagnostics Nichols Institute San Juan Capistrano
Classification: Uncertain significance. Last evaluated: 2025-04-11. Review status: criteria provided, single submitter. Criteria: Quest Diagnostics criteria. Collection method: clinical testing. Allele origin: unknown.
Comment: The BRCA1 c.2483_2485del (p.Gly828_Phe829delinsVal) variant has been reported in the published literature in individuals/families with breast and/or ovarian cancer (PMIDs: 16267036 (2005), 20104584 (2010), 32720237 (2021)) and acute myeloid leukemia (PMID: 34482403 (2022)). This variant also co-occurred with a pathogenic variant in the BRCA1 gene in an individual in the BIC database, suggesting this variant may not be the primary cause of disease. The frequency of this variant in the general population (Genome Aggregation Database) is uninformative in the assessment of its pathogenicity. Based on the available information, we are unable to determine the clinical significance of this variant.

Ambry Genetics
Classification: Uncertain significance for Hereditary cancer-predisposing syndrome. Last evaluated: 2024-07-02. Review status: criteria provided, single submitter. Criteria: Ambry Variant Classification Scheme 2023. Collection method: clinical testing. Allele origin: germline.
Comment: The c.2483_2485delGCT variant (also known as p.G828_F829delinsV) is located in coding exon 9 of the BRCA1 gene. This variant results from an in-frame deletion of GCT at nucleotide positions 2483 to 2485. This results in the deletion of the glycine residue at codon 828 and the phenylalanine residue at codon 829 and the insertion of a valine residue. This alteration was previously identified in 1/1398 unilateral breast cancer cases and 0/705 bilateral breast cancer cases in a population based study (Borg A et al. Hum. Mutat. 2010 Mar;31:E1200-40). It has also been reported in a series of over 50000 patients undergoing BRCA1 sequencing (Judkins T et al. Cancer Res. 2005 Nov;65:10096-103). This amino acid region is not well conserved in available vertebrate species. In addition, this alteration is predicted to be deleterious by in silico analysis (Choi Y et al. PLoS ONE. 2012; 7(10):e46688). Based on the available evidence, the clinical significance of this variant remains unclear.

Baylor Genetics
Classification: Uncertain significance for Breast-ovarian cancer, familial, susceptibility to, 1. Last evaluated: 2024-02-13. Review status: criteria provided, single submitter. Criteria: ACMG Guidelines, 2015. Collection method: clinical testing. Allele origin: unknown.

All of Us Research Program, National Institutes of Health
Classification: Likely benign for Breast-ovarian cancer, familial, susceptibility to, 1. Last evaluated: 2023-10-02. Review status: criteria provided, single submitter. Criteria: ACMG Guidelines, 2015. Collection method: clinical testing. Allele origin: germline. Inheritance: Autosomal dominant inheritance. Observed: 2 variant alleles, 2 heterozygotes.
Comment: This study involves interpretation of variants in research participants for the purpose of population health screening. Participant phenotype was not available at the time of variant classification. Additional details can be found in publication PMID: 35346344, PMCID: PMC8962531

ARUP Laboratories, Molecular Genetics and Genomics, ARUP Laboratories
Classification: Uncertain significance. Last evaluated: 2022-10-20. Review status: criteria provided, single submitter. Criteria: ARUP Molecular Germline Variant Investigation Process 2021. Collection method: clinical testing. Allele origin: germline.
Comment: The BRCA1 c.2483_2485delGCT; p.Gly828_Phe829delinsVal variant (rs80358331) is reported in the literature in an individual affected with breast cancer, but without clear disease association (Borg 2010). This variant is also reported in ClinVar (Variation ID: 54582), but is only observed on two alleles in the Genome Aggregation Database, indicating it is not a common polymorphism. This variant deletes 3 nucleotides, which would replace a glycine and phenylalanine with valine, leaving the rest of the protein in-frame. Due to limited information, the clinical significance of this variant is uncertain at this time. References: Borg A et al. Characterization of BRCA1 and BRCA2 deleterious mutations and variants of unknown clinical significance in unilateral and bilateral breast cancer: the WECARE study. Hum Mutat. 2010 Mar;31(3):E1200-40. PMID: 20104584.

Sema4
Classification: Uncertain significance for Hereditary cancer-predisposing syndrome. Last evaluated: 2022-03-02. Review status: criteria provided, single submitter. Criteria: Sema4 Curation Guidelines. Collection method: curation. Allele origin: germline.
Comment: The BRCA1 c.2483_2485delGCT (p.G828_F829delinsV) variant has been reported in an individual with unilateral breast cancer and in individuals undergoing screening for BRCA1 variants (PMID 20104584, 16267036). This variant results in the deletion of amino acid residues glycine and phenylalanine at codons 828 and 829, and an insertion of valine in the BRCA1 protein, preserving the integrity of the reading frame. This variant was observed in 2/128842 chromosomes in the Non-Finnish European population, according to the Genome Aggregation Database (PMID: 32461654). The variant has been reported in ClinVar (Variation ID 54582). The evidence is insufficient to meet ACMG/AMP criteria for classifying the variant as benign or pathogenic. Thus, the clinical significance of this variant is currently uncertain.

GeneDx
Classification: Uncertain significance. Last evaluated: 2021-04-01. Review status: criteria provided, single submitter. Criteria: GeneDx Variant Classification Process June 2021. Collection method: clinical testing. Allele origin: germline. Affected: yes.
Comment: Not observed at a significant frequency in large population cohorts (Lek et al., 2016); In-frame deletion of 2 amino acids and insertion of 1 amino acid in a non-repeat region; In silico analysis supports a deleterious effect on protein structure/function; Also known as 2602_2604delGCT; This variant is associated with the following publications: (PMID: 20104584, 16267036)

Color Diagnostics, LLC DBA Color Health
Classification: Likely benign for Hereditary cancer-predisposing syndrome. Last evaluated: 2017-07-17. Review status: criteria provided, single submitter. Criteria: ACMG Guidelines, 2015. Collection method: clinical testing. Allele origin: germline.

PreventionGenetics, part of Exact Sciences
Classification: Uncertain significance for BRCA1-related condition. Last evaluated: 2024-01-01. Review status: no assertion criteria provided. Collection method: clinical testing. Allele origin: germline. Not counted in ClinVar's aggregate classification.
Comment: The BRCA1 c.2483_2485delGCT variant is predicted to result in an in-frame deletion (p.Gly828_Phe829delinsVal). This variant has been reported in an individual with breast cancer (Table S2 - Borg et al. 2010. PubMed ID: 20104584) and an individual with breast and/or ovarian cancer (referred to as G828del - Judkins et al. 2005. PubMed ID: 16267036). This variant is reported in 0.0016% of alleles in individuals of European (Non-Finnish) descent in gnomAD and has conflicting interpretations of pathogenicity of likely benign and uncertain in the ClinVar database. At this time, the clinical significance of this variant is uncertain due to the absence of conclusive functional and genetic evidence.

Breast Cancer Information Core (BIC) (BRCA1)
Classification: Uncertain significance for Breast-ovarian cancer, familial 1. Last evaluated: 2002-06-20. Review status: no assertion criteria provided. Collection method: clinical testing. Allele origin: germline. Affected: yes. Observed: 1 variant allele. Not counted in ClinVar's aggregate classification.

Literature cited by the submitters: PubMed 16267036 (cited by 4 submitters); PubMed 20104584 (cited by 5 submitters); PubMed 10923033 (cited by Labcorp Genetics (formerly Invitae), Labcorp and Quest Diagnostics Nichols Institute San Juan Capistrano); PubMed 34482403 (cited by Quest Diagnostics Nichols Institute San Juan Capistrano); PubMed 32720237 (cited by Quest Diagnostics Nichols Institute San Juan Capistrano); PubMed 29338072 (cited by Quest Diagnostics Nichols Institute San Juan Capistrano); PubMed 31853058 (cited by Quest Diagnostics Nichols Institute San Juan Capistrano).